The following is an entry in ClinVar:

NM_000186.4(CFH):c.1705T>C (p.Cys569Arg)

Gene: CFH (complement factor H; plus strand). Cytogenetic location: 1q31.3.
Variant type: single nucleotide variant.
Coding change: c.1705T>C on transcript NM_000186.4 (MANE Select); coding-DNA position 1705, T replaced by C.
Protein change: p.Cys569Arg; replaces cysteine 569 with arginine.
Molecular consequence: missense variant.
Genome position (GRCh38, 1-based): chr1:196,725,129, T>C. VCF-style: chr1-196725129-T-C. GRCh37 (hg19) VCF-style: chr1-196694259-T-C.
Other names: p.Cys569Arg; short protein forms C569R.
Identifiers: ClinVar variation 2682682 (VCV002682682.1), dbSNP rs2529498884, ClinGen allele CA343985425.

ClinVar aggregate classification (germline): Uncertain significance (1 of 4 stars; one submission).

Submission:

Mayo Clinic Laboratories, Mayo Clinic
Classification: Uncertain significance. Last evaluated: 2022-05-24. Review status: criteria provided, single submitter. Criteria: ACMG Guidelines, 2015. Collection method: clinical testing. Allele origin: germline. Observed: 1 variant allele.
Comment: PP3, PM2_supporting